The following is an entry in ClinVar:

NM_001083962.2(TCF4):c.1154G>A (p.Arg385Gln)

Gene: TCF4 (transcription factor 4; minus strand). Cytogenetic location: 18q21.2.
Variant type: single nucleotide variant.
Coding change: c.1154G>A on transcript NM_001083962.2 (MANE Select); coding-DNA position 1154, G replaced by A.
Protein change: p.Arg385Gln; replaces arginine 385 with glutamine.
Molecular consequence: missense variant.
Genome position (GRCh38, 1-based): chr18:55,254,693, C>T on the plus strand (G>A on the coding strand, the complement: TCF4 is on the minus strand). VCF-style: chr18-55254693-C-T. GRCh37 (hg19) VCF-style: chr18-52921924-C-T.
Other names: c.1460G>A, p.Arg487Gln (NM_001243226.3); c.1082G>A, p.Arg361Gln (NM_001243227.2, NM_001348217.1, NM_001348218.2 and 5 more transcripts); c.1172G>A, p.Arg391Gln (NM_001243228.2); c.1145G>A, p.Arg382Gln (NM_001243230.2); c.1028G>A, p.Arg343Gln (NM_001243231.2, NM_001348211.2); c.941G>A, p.Arg314Gln (NM_001243232.1, NM_001306208.1); c.764G>A, p.Arg255Gln (NM_001243233.2, NM_001330605.3, NM_001348212.2 and 1 more transcripts); c.674G>A, p.Arg225Gln (NM_001243234.2, NM_001348216.2, NM_001243235.2 and 1 more transcripts); and 6 more; short protein forms R255Q, R360Q, R343Q, R361Q, R314Q, R362Q, R384Q, R169Q.
Identifiers: ClinVar variation 957364 (VCV000957364.7), dbSNP rs1420909531, ClinGen allele CA402533952.

ClinVar aggregate classification (germline): Conflicting classifications of pathogenicity. Review status: criteria provided, conflicting classifications (1 of 4 stars). 2 submissions from 2 submitters: Uncertain significance (1); Likely benign (1). Last evaluated 2023-06-23.

Conditions:
Pitt-Hopkins syndrome (PTHS). Also called: ENCEPHALOPATHY, SEVERE EPILEPTIC, WITH AUTONOMIC DYSFUNCTION; MENTAL RETARDATION, SYNDROMAL, WITH INTERMITTENT HYPERVENTILATION. Identifiers: Orphanet 2896, MedGen C1970431, MONDO:0012589, OMIM 610954.

Allele frequency attached by ClinVar (database versions not stated): TOPMed 0.00001; gnomAD 0.00002.
gnomAD v4.1: 9 of 1,609,608 alleles (0.00056%); highest among the groups gnomAD compares: African/African-American, 0.0013%; no homozygotes.

Submissions (2):

Labcorp Genetics (formerly Invitae), Labcorp
Classification: Uncertain significance for Pitt-Hopkins syndrome. Last evaluated: 2023-06-23. Review status: criteria provided, single submitter. Criteria: Invitae Variant Classification Sherloc (09022015). Collection method: clinical testing. Allele origin: germline.
Comment: This variant has not been reported in the literature in individuals affected with TCF4-related conditions. In summary, the available evidence is currently insufficient to determine the role of this variant in disease. Therefore, it has been classified as a Variant of Uncertain Significance. Advanced modeling of protein sequence and biophysical properties (such as structural, functional, and spatial information, amino acid conservation, physicochemical variation, residue mobility, and thermodynamic stability) performed at Invitae indicates that this missense variant is not expected to disrupt TCF4 protein function. ClinVar contains an entry for this variant (Variation ID: 957364). This variant is not present in population databases (gnomAD no frequency). This sequence change replaces arginine, which is basic and polar, with glutamine, which is neutral and polar, at codon 385 of the TCF4 protein (p.Arg385Gln).

Blueprint Genetics
Classification: Likely benign. Last evaluated: 2020-04-07. Review status: criteria provided, single submitter. Criteria: ACMG Guidelines, 2015. Collection method: clinical testing. Allele origin: germline.